The following is an entry in ClinVar:

ClinVar aggregate classification (germline): Uncertain significance (1 of 4 stars; one submission).

Submission:

Labcorp Genetics (formerly Invitae), Labcorp
Classification: Uncertain significance. Last evaluated: 2023-11-27. Review status: criteria provided, single submitter. Criteria: Invitae Variant Classification Sherloc (09022015). Collection method: clinical testing. Allele origin: germline.
Comment: This sequence change replaces valine, which is neutral and non-polar, with aspartic acid, which is acidic and polar, at codon 127 of the GATAD2B protein (p.Val127Asp). This variant is not present in population databases (gnomAD no frequency). This variant has not been reported in the literature in individuals affected with GATAD2B-related conditions. Advanced modeling of protein sequence and biophysical properties (such as structural, functional, and spatial information, amino acid conservation, physicochemical variation, residue mobility, and thermodynamic stability) performed at Invitae indicates that this missense variant is expected to disrupt GATAD2B protein function with a positive predictive value of 80%. In summary, the available evidence is currently insufficient to determine the role of this variant in disease. Therefore, it has been classified as a Variant of Uncertain Significance.

NM_020699.4(GATAD2B):c.380T>A (p.Val127Asp)

Gene: GATAD2B (GATA zinc finger domain containing 2B; minus strand). Cytogenetic location: 1q21.3.
Variant type: single nucleotide variant.
Coding change: c.380T>A on transcript NM_020699.4 (MANE Select); coding-DNA position 380, T replaced by A.
Protein change: p.Val127Asp; replaces valine 127 with aspartic acid.
Molecular consequence: missense variant.
Genome position (GRCh38, 1-based): chr1:153,819,691, A>T on the plus strand (T>A on the coding strand, the complement: GATAD2B is on the minus strand). VCF-style: chr1-153819691-A-T. GRCh37 (hg19) VCF-style: chr1-153792167-A-T.
Other names: short protein forms V127D.
Identifiers: ClinVar variation 2697270 (VCV002697270.3), dbSNP rs2525261517, ClinGen allele CA342535662.
Genomic context (GRCh38, chr1:153,819,691, plus strand): 5'-TTGAGTCTTTCTTCCATTCTGGAACTGGAACGGGGACTGGAAGCCTCATTGTCAGACAAA[A>T]CAATGATGTCTGGTGAGGGAGTTAGCCTTCCTCGCTCTGGCTCACTAGACAAGAAAGGGA-3'
Protein context (NP_065750.1, residues 117-137): GRLTPSPDII[Val127Asp]LSDNEASSPR